The following is an entry in ClinVar:

ClinVar aggregate classification (germline): Likely benign. Review status: criteria provided, multiple submitters, no conflicts (2 of 4 stars). 3 submissions from 3 submitters: Likely benign (2). 1 of the submissions does not count toward it. Last evaluated 2024-10-24.

Conditions:
COL1A2-related disorder. Also called: COL1A2-related condition; COL1A2-Related Disorders.
Ehlers-Danlos syndrome, classic type, 1 (EDSCL1). Also called: EDS I; Ehlers-Danlos syndrome, type 1; EHLERS-DANLOS SYNDROME, GRAVIS TYPE; EHLERS-DANLOS SYNDROME, SEVERE CLASSIC TYPE; Ehlers-Danlos Syndrome, Classic Type, COL5A1-Related. Identifiers: MedGen C0268335, MONDO:0019567, OMIM 130000.
Osteogenesis imperfecta type I (OI1). Also called: Osteogenesis imperfecta type 1; Lobstein's Disease; OI, TYPE I; OSTEOGENESIS IMPERFECTA TARDA; OSTEOGENESIS IMPERFECTA WITH BLUE SCLERAE; Lobstein disease. Identifiers: Orphanet 216796, Orphanet 666, MedGen C0023931, MONDO:0008146, OMIM 166200. Disease mechanism: loss of function.
Cardiovascular phenotype. Identifiers: MedGen CN230736.

Allele frequency attached by ClinVar (database versions not stated): gnomAD exomes 0.00002; 1000 Genomes Project 30x 0.00016; 1000 Genomes Project 0.00020; ExAC 0.00001.
gnomAD v4.1: 22 of 1,614,058 alleles (0.0014%); highest among the groups gnomAD compares: African/African-American, 0.015%; no homozygotes.

Submissions (3):

Labcorp Genetics (formerly Invitae), Labcorp
Classification: Likely benign for Osteogenesis imperfecta type I; Ehlers-Danlos syndrome, classic type, 1. Last evaluated: 2024-10-24. Review status: criteria provided, single submitter. Criteria: Invitae Variant Classification Sherloc (09022015). Collection method: clinical testing. Allele origin: germline.

Ambry Genetics
Classification: Likely benign for Cardiovascular phenotype. Last evaluated: 2021-11-19. Review status: criteria provided, single submitter. Criteria: Ambry Variant Classification Scheme 2023. Collection method: clinical testing. Allele origin: germline.

PreventionGenetics, part of Exact Sciences
Classification: Likely benign for COL1A2-related condition. Last evaluated: 2024-08-01. Review status: no assertion criteria provided. Collection method: clinical testing. Allele origin: germline. Not counted in ClinVar's aggregate classification.
Comment: This variant is classified as likely benign based on ACMG/AMP sequence variant interpretation guidelines (Richards et al. 2015 PMID: 25741868, with internal and published modifications).

NM_000089.4(COL1A2):c.3852C>A (p.Gly1284=)

Gene: COL1A2 (collagen type I alpha 2 chain; plus strand). Cytogenetic location: 7q21.3.
Variant type: single nucleotide variant.
Coding change: c.3852C>A on transcript NM_000089.4 (MANE Select); coding-DNA position 3852, C replaced by A.
Protein change: p.Gly1284=; no amino-acid change (glycine 1284 retained).
Molecular consequence: synonymous variant.
Genome position (GRCh38, 1-based): chr7:94,429,328, C>A. VCF-style: chr7-94429328-C-A. GRCh37 (hg19) VCF-style: chr7-94058640-C-A.
Identifiers: ClinVar variation 1562098 (VCV001562098.12), dbSNP rs663, ClinGen allele CA4347867.